The following is an entry in ClinVar:

ClinVar aggregate classification (germline): Pathogenic (1 of 4 stars; one submission).

Conditions:
Hereditary cancer-predisposing syndrome. Also called: Neoplastic Syndromes, Hereditary; Tumor predisposition; Hereditary Cancer Syndrome; Hereditary neoplastic syndrome. Identifiers: Orphanet 140162, MedGen C0027672, MeSH D009386, MONDO:0015356.

Submission:

Molecular Diagnostics Laboratory, Catalan Institute of Oncology
Classification: Pathogenic for Hereditary cancer-predisposing syndrome. Last evaluated: 2025-01-22. Review status: criteria provided, single submitter. Criteria: ClinGen BRCA1BRCA2 ACMG Specifications BRCA2 V1.0.0. Collection method: clinical testing. Allele origin: germline.
Comment: PVS1, PM5_PTC_Strong c.2484del, located in exon 11 of the BRCA2 gene, is a nonsense variant expected to result in loss of function by premature protein truncation and nonsense-mediated mRNA decay, p.(Tyr828*) (PVS1, PM5_PTC_Strong). It is not present in the population database gnomAD v2.1.1, non cancer dataset. No effect is predicted on splicing by SpliceAI. To our knowledge, neither relevant clinical data nor well-stablished functional studies have been reported for this variant. This variant has not been reported neither in ENIGMA, nor in ClinVar, nor LOVD databases. Based on currently available information, the variant c.2484del should be considered a pathogenic variant.

NM_000059.4(BRCA2):c.2484del (p.Asn827_Tyr828insTer)

Gene: BRCA2 (BRCA2 DNA repair associated; plus strand). Cytogenetic location: 13q13.1.
Variant type: Deletion.
Coding change: c.2484del on transcript NM_000059.4 (MANE Select); coding-DNA position 2484, one base deleted (T; older notation c.2484delT).
Protein change: p.Asn827_Tyr828insTer.
Molecular consequence: nonsense. On other transcripts: non-coding transcript variant (1), intron variant (2).
Genome position (GRCh38, 1-based): chr13:32,336,839, T deleted. VCF-style (leftmost placement, unchanged base first): chr13-32336838-AT-A. GRCh37 (hg19) VCF-style: chr13-32910975-AT-A.
Other names: c.2484del, p.Asn827_Tyr828insTer (NM_001406719.1, NM_001406720.1, NM_001432077.1); c.1909+3452del (NM_001406721.1); c.424+5809del (NM_001406722.1).
Identifiers: ClinVar variation 3893676 (VCV003893676.1).
Genomic context (GRCh38, chr13:32,336,838, plus strand): 5'-AATTAACCAAAAATATTCCCATGGAAAAGAATCAAGATGTATGTGCTTTAAATGAAAATT[AT>A]AAAAACGTTGAGCTGTTGCCACCTGAAAAATACATGAGAGTAGCATCACCTTCAAGAAAG-3'